The following is an entry in ClinVar:

NM_024596.5(MCPH1):c.1136G>T (p.Arg379Ile)

Gene: MCPH1 (microcephalin 1; plus strand). Cytogenetic location: 8p23.1.
Variant type: single nucleotide variant.
Coding change: c.1136G>T on transcript NM_024596.5 (MANE Select); coding-DNA position 1136, G replaced by T.
Protein change: p.Arg379Ile; replaces arginine 379 with isoleucine.
Molecular consequence: missense variant. On other transcripts: non-coding transcript variant (1).
Genome position (GRCh38, 1-based): chr8:6,444,858, G>T. VCF-style: chr8-6444858-G-T. GRCh37 (hg19) VCF-style: chr8-6302379-G-T.
Other names: c.1136G>T, p.Arg379Ile (NM_001172574.2, NM_001322042.2, NM_001363979.1 and 3 more transcripts); c.992G>T, p.Arg331Ile (NM_001172575.2); c.1130G>T, p.Arg377Ile (NM_001322043.2); c.1034G>T, p.Arg345Ile (NM_001322045.2); c.1136G>T (NM_024596.4, NM_024596.3); short protein forms R331I, R379I, R377I, R345I.
Identifiers: ClinVar variation 2072197 (VCV002072197.3), dbSNP rs201696439, ClinGen allele CA4610469.
Genomic context (GRCh38, chr8:6,444,858, plus strand): 5'-TATCACATGGCTCCCATTCACCTCCGAAGGAAAAATGCAAGAGAAAGAGGAGCACCAGGA[G>T]ATCTATCATGCCGAGGCTGCAGCTGTGCAGGTCGGAAGACAGGCTGCAGCACGTGGCGGG-3'
Protein context (NP_078872.3, residues 369-389): EKCKRKRSTR[Arg379Ile]SIMPRLQLCR

ClinVar aggregate classification (germline): Uncertain significance. Review status: criteria provided, multiple submitters, no conflicts (2 of 4 stars). 3 submissions from 3 submitters: Uncertain significance (3). Last evaluated 2025-04-20.

Conditions:
Inborn genetic diseases. Identifiers: MedGen C0950123, MeSH D030342.

Allele frequency attached by ClinVar (database versions not stated): ESP Exome Variant Server 0.00024; gnomAD exomes 0.00027; ExAC 0.00008; gnomAD 0.00019; TOPMed 0.00026.
gnomAD v4.1: 426 of 1,614,084 alleles (0.026%); highest among the groups gnomAD compares: Non-Finnish European, 0.034%; no homozygotes.

Submissions (3):

Ambry Genetics
Classification: Uncertain significance for Inborn genetic diseases. Last evaluated: 2025-04-20. Review status: criteria provided, single submitter. Criteria: Ambry Variant Classification Scheme 2023. Collection method: clinical testing. Allele origin: germline.

Women's Health and Genetics/Laboratory Corporation of America, LabCorp
Classification: Uncertain significance. Last evaluated: 2023-06-08. Review status: criteria provided, single submitter. Criteria: LabCorp Variant Classification Summary - May 2015. Collection method: clinical testing. Allele origin: germline.
Comment: Variant summary: MCPH1 c.1136G>T (p.Arg379Ile) results in a non-conservative amino acid change in the encoded protein sequence. Three of five in-silico tools predict a damaging effect of the variant on protein function. The variant allele was found at a frequency of 0.0001 in 249186 control chromosomes. This frequency is not significantly higher than estimated for a pathogenic variant in MCPH1 causing Primary microcephaly (0.0001 vs 0.00091), allowing no conclusion about variant significance. To our knowledge, no occurrence of c.1136G>T in individuals affected with Primary microcephaly and no experimental evidence demonstrating its impact on protein function have been reported. One clinical diagnostic laboratory has submitted clinical-significance assessments for this variant to ClinVar after 2014 and classified the variant as uncertain significance. Based on the evidence outlined above, the variant was classified as uncertain significance.

Labcorp Genetics (formerly Invitae), Labcorp
Classification: Uncertain significance. Last evaluated: 2022-09-07. Review status: criteria provided, single submitter. Criteria: Invitae Variant Classification Sherloc (09022015). Collection method: clinical testing. Allele origin: germline.
Comment: This sequence change replaces arginine, which is basic and polar, with isoleucine, which is neutral and non-polar, at codon 379 of the MCPH1 protein (p.Arg379Ile). This variant is present in population databases (rs201696439, gnomAD 0.02%). This variant has not been reported in the literature in individuals affected with MCPH1-related conditions. Algorithms developed to predict the effect of missense changes on protein structure and function are either unavailable or do not agree on the potential impact of this missense change (SIFT: "Not Available"; PolyPhen-2: "Probably Damaging"; Align-GVGD: "Not Available"). In summary, the available evidence is currently insufficient to determine the role of this variant in disease. Therefore, it has been classified as a Variant of Uncertain Significance.